The following is an entry in ClinVar:

ClinVar aggregate classification (germline): Uncertain significance (1 of 4 stars; one submission).

Conditions:
Brachyolmia-amelogenesis imperfecta syndrome. Also called: Tooth agenesis, selective, 6; Dental anomalies and short stature; PLATYSPONDYLY WITH AMELOGENESIS IMPERFECTA. Identifiers: Orphanet 2899, MedGen C1832594, MONDO:0011018, OMIM 601216. Disease mechanism: loss of function.

Submission:

Labcorp Genetics (formerly Invitae), Labcorp
Classification: Uncertain significance for Brachyolmia-amelogenesis imperfecta syndrome. Last evaluated: 2025-01-11. Review status: criteria provided, single submitter. Criteria: Invitae Variant Classification Sherloc (09022015). Collection method: clinical testing. Allele origin: germline.
Comment: This sequence change replaces lysine, which is basic and polar, with arginine, which is basic and polar, at codon 299 of the LTBP3 protein (p.Lys299Arg). This variant is not present in population databases (gnomAD no frequency). This variant has not been reported in the literature in individuals affected with LTBP3-related conditions. An algorithm developed to predict the effect of missense changes on protein structure and function (PolyPhen-2) suggests that this variant is likely to be disruptive. In summary, the available evidence is currently insufficient to determine the role of this variant in disease. Therefore, it has been classified as a Variant of Uncertain Significance.

NM_001130144.3(LTBP3):c.896A>G (p.Lys299Arg)

Gene: LTBP3 (latent transforming growth factor beta binding protein 3; minus strand). Cytogenetic location: 11q13.1.
Variant type: single nucleotide variant.
Coding change: c.896A>G on transcript NM_001130144.3 (MANE Select); coding-DNA position 896, A replaced by G.
Protein change: p.Lys299Arg; replaces lysine 299 with arginine.
Molecular consequence: missense variant.
Genome position (GRCh38, 1-based): chr11:65,553,499, T>C on the plus strand (A>G on the coding strand, the complement: LTBP3 is on the minus strand). VCF-style: chr11-65553499-T-C. GRCh37 (hg19) VCF-style: chr11-65320970-T-C.
Other names: c.545A>G, p.Lys182Arg (NM_001164266.1); c.896A>G, p.Lys299Arg (NM_021070.4); short protein forms K299R, K182R.
Identifiers: ClinVar variation 3728798 (VCV003728798.2).